The following is an entry in ClinVar:

NM_024782.3(NHEJ1):c.256G>A (p.Asp86Asn)

Gene: NHEJ1 (non-homologous end joining factor 1; minus strand). Cytogenetic location: 2q35.
Variant type: single nucleotide variant.
Coding change: c.256G>A on transcript NM_024782.3 (MANE Select); coding-DNA position 256, G replaced by A.
Protein change: p.Asp86Asn; replaces aspartic acid 86 with asparagine.
Molecular consequence: missense variant. On other transcripts: non-coding transcript variant (1).
Genome position (GRCh38, 1-based): chr2:219,157,606, C>T on the plus strand (G>A on the coding strand, the complement: NHEJ1 is on the minus strand). VCF-style: chr2-219157606-C-T. GRCh37 (hg19) VCF-style: chr2-220022328-C-T.
Other names: c.256G>A, p.Asp86Asn (NM_001377498.1, NM_001377499.1); short protein forms D86N.
Identifiers: ClinVar variation 656383 (VCV000656383.8), dbSNP rs976825540, ClinGen allele CA65943445.
Genomic context (GRCh38, chr2:219,157,606, plus strand): 5'-GAATCAGTGCATCTGCCACACAATCACAGGAGAAGGTAGCTTCGCTAGGGTGAGCAGCGT[C>T]CTTCAACAATGGGCGAAGGAGATTATCCAAATGACAGAGGAAAGCTGCAGGAGGAGCAGT-3'
Protein context (NP_079058.1, residues 76-96): LDNLLRPLLK[Asp86Asn]AAHPSEATFS

ClinVar aggregate classification (germline): Uncertain significance. Review status: criteria provided, multiple submitters, no conflicts (2 of 4 stars). 2 submissions from 2 submitters: Uncertain significance (2). Last evaluated 2023-10-13.

Conditions:
Cernunnos-XLF deficiency (IMD124). Also called: Severe combined immunodeficiency with sensitivity to ionizing radiation due to NHEJ1 deficiency; SCID, autosomal recessive, T cell-negative, B cell-negative, NK cell-positive, and sensitivity to ionizing radiation due to NHEJ1 deficiency; IMMUNODEFICIENCY 124, SEVERE COMBINED; SCID, AUTOSOMAL RECESSIVE, T CELL-NEGATIVE, B CELL-NEGATIVE, NK CELL-POSITIVE, WITH MICROCEPHALY, GROWTH RETARDATION, AND SENSITIVITY TO IONIZING RADIATION; NHEJ1 SYNDROME. Identifiers: Orphanet 169079, MedGen C1969799, MONDO:0012650, OMIM 611291.
Inborn genetic diseases. Identifiers: MedGen C0950123, MeSH D030342.

Allele frequency attached by ClinVar (database versions not stated): gnomAD 0.00001; gnomAD exomes 0.00001 and 0.00002; TOPMed 0.00001.
gnomAD v4.1: 5 of 1,614,042 alleles (0.00031%); highest among the groups gnomAD compares: Admixed American, 0.0033%; no homozygotes.

Submissions (2):

Labcorp Genetics (formerly Invitae), Labcorp
Classification: Uncertain significance for Cernunnos-XLF deficiency. Last evaluated: 2023-10-13. Review status: criteria provided, single submitter. Criteria: Invitae Variant Classification Sherloc (09022015). Collection method: clinical testing. Allele origin: germline.
Comment: This sequence change replaces aspartic acid, which is acidic and polar, with asparagine, which is neutral and polar, at codon 86 of the NHEJ1 protein (p.Asp86Asn). This variant is present in population databases (no rsID available, gnomAD 0.003%). This variant has not been reported in the literature in individuals affected with NHEJ1-related conditions. ClinVar contains an entry for this variant (Variation ID: 656383). Advanced modeling of protein sequence and biophysical properties (such as structural, functional, and spatial information, amino acid conservation, physicochemical variation, residue mobility, and thermodynamic stability) performed at Invitae indicates that this missense variant is not expected to disrupt NHEJ1 protein function. In summary, the available evidence is currently insufficient to determine the role of this variant in disease. Therefore, it has been classified as a Variant of Uncertain Significance.

Ambry Genetics
Classification: Uncertain significance for Inborn genetic diseases. Last evaluated: 2021-10-05. Review status: criteria provided, single submitter. Criteria: Ambry Variant Classification Scheme 2023. Collection method: clinical testing. Allele origin: germline.